The following is an entry in ClinVar:

NM_000051.4(ATM):c.233C>G (p.Ala78Gly)

Gene: ATM (ATM serine/threonine kinase; plus strand). Cytogenetic location: 11q22.3.
Variant type: single nucleotide variant.
Coding change: c.233C>G on transcript NM_000051.4 (MANE Select); coding-DNA position 233, C replaced by G.
Protein change: p.Ala78Gly; replaces alanine 78 with glycine.
Molecular consequence: missense variant.
Genome position (GRCh38, 1-based): chr11:108,229,225, C>G. VCF-style: chr11-108229225-C-G. GRCh37 (hg19) VCF-style: chr11-108099952-C-G.
Other names: c.233C>G, p.Ala78Gly (NM_001351834.2, NM_001351835.2, NM_001351836.2); short protein forms A78G.
Identifiers: ClinVar variation 232281 (VCV000232281.13), dbSNP rs876659669, ClinGen allele CA10578952.

ClinVar aggregate classification (germline): Uncertain significance. Review status: criteria provided, multiple submitters, no conflicts (2 of 4 stars). 4 submissions from 4 submitters: Uncertain significance (4). Last evaluated 2026-05-05.

Conditions:
Hereditary cancer-predisposing syndrome. Also called: Neoplastic Syndromes, Hereditary; Tumor predisposition; Hereditary Cancer Syndrome; Hereditary neoplastic syndrome. Identifiers: Orphanet 140162, MedGen C0027672, MeSH D009386, MONDO:0015356.
Familial cancer of breast. Also called: BREAST CANCER, FAMILIAL; hereditary breast carcinoma; Hereditary breast cancer. Identifiers: Orphanet 227535, MedGen C0346153, MONDO:0016419, OMIM 114480. Disease mechanism: loss of function.
Ataxia-telangiectasia syndrome (AT). Also called: Ataxia-telangiectasia, complementation group D; AT, COMPLEMENTATION GROUP C; Ataxia-telangiectasia, complementation group E; ATAXIA-TELANGIECTASIA, COMPLEMENTATION GROUP A; ATAXIA-TELANGIECTASIA, FRESNO VARIANT; Ataxia-telangiectasia. Identifiers: Orphanet 100, MedGen C0004135, MONDO:0008840, OMIM 208900.

Allele frequency attached by ClinVar (database versions not stated): TOPMed 0.00001.

Submissions (4):

Institute of Human Genetics, University of Leipzig Medical Center
Classification: Uncertain significance for Familial cancer of breast. Last evaluated: 2026-05-05. Review status: criteria provided, single submitter. Criteria: ACMG Guidelines, 2015. Collection method: clinical testing. Allele origin: unknown. Affected: yes.
Comment: Criteria applied: PM2_SUP,BP4

Labcorp Genetics (formerly Invitae), Labcorp
Classification: Uncertain significance for Ataxia-telangiectasia syndrome. Last evaluated: 2023-07-28. Review status: criteria provided, single submitter. Criteria: Invitae Variant Classification Sherloc (09022015). Collection method: clinical testing. Allele origin: germline.
Comment: ClinVar contains an entry for this variant (Variation ID: 232281). This variant has not been reported in the literature in individuals affected with ATM-related conditions. This variant is not present in population databases (gnomAD no frequency). This sequence change replaces alanine, which is neutral and non-polar, with glycine, which is neutral and non-polar, at codon 78 of the ATM protein (p.Ala78Gly). Advanced modeling of protein sequence and biophysical properties (such as structural, functional, and spatial information, amino acid conservation, physicochemical variation, residue mobility, and thermodynamic stability) performed at Invitae indicates that this missense variant is not expected to disrupt ATM protein function. In summary, the available evidence is currently insufficient to determine the role of this variant in disease. Therefore, it has been classified as a Variant of Uncertain Significance.

Ambry Genetics
Classification: Uncertain significance for Hereditary cancer-predisposing syndrome. Last evaluated: 2020-09-17. Review status: criteria provided, single submitter. Criteria: Ambry Variant Classification Scheme 2023. Collection method: clinical testing. Allele origin: germline.
Comment: The p.A78G variant (also known as c.233C>G), located in coding exon 3 of the ATM gene, results from a C to G substitution at nucleotide position 233. The alanine at codon 78 is replaced by glycine, an amino acid with similar properties. This amino acid position is not well conserved in available vertebrate species. In addition, this alteration is predicted to be tolerated by in silico analysis. Since supporting evidence is limited at this time, the clinical significance of this alteration remains unclear.

GeneDx
Classification: Uncertain significance. Last evaluated: 2016-02-14. Review status: criteria provided, single submitter. Criteria: GeneDx Variant Classification (06012015). Collection method: clinical testing. Allele origin: germline. Affected: yes.
Comment: This variant is denoted ATM c.233C>G at the cDNA level, p.Ala78Gly (A78G) at the protein level, and results in the change of an Alanine to a Glycine (GCA>GGA). This variant has not, to our knowledge, been published in the literature as pathogenic or benign. ATM Ala78Gly was not observed in approximately 6,500 individuals of European and African American ancestry in the NHLBI Exome Sequencing Project, suggesting it is not a common benign variant in these populations. Since Alanine and Glycine share similar properties, this is considered a conservative amino acid substitution. ATM Ala78Gly occurs at a position that is conserved in mammals and is not located in a known functional domain (Tavtigian 2009). In silico analyses predict that this variant is unlikely to alter protein structure or function. Based on currently available evidence, it is unclear whether ATM Ala78Gly is a pathogenic or benign variant. We consider it to be a variant of uncertain significance.